The following is an entry in ClinVar:

NM_130384.3(ATRIP):c.1882+4A>G

Genes: ATRIP (ATR interacting protein; plus strand), ATRIP-TREX1 (ATRIP-TREX1 readthrough; plus strand). Cytogenetic location: 3p21.31.
Variant type: single nucleotide variant.
Coding change: c.1882+4A>G on transcript NM_130384.3 (MANE Select); 4 bases into the intron after coding-DNA position 1882, A replaced by G.
Molecular consequence: intron variant.
Genome position (GRCh38, 1-based): chr3:48,463,885, A>G. VCF-style: chr3-48463885-A-G. GRCh37 (hg19) VCF-style: chr3-48505284-A-G.
Other names: c.1882+4A>G (NM_032166.4); c.1501+4A>G (NM_001271022.2); c.1603+4A>G (NM_001271023.2).
Identifiers: ClinVar variation 5032430 (VCV005032430.1).

ClinVar aggregate classification (germline): Uncertain significance (1 of 4 stars; one submission).

Submission:

Ambry Genetics
Classification: Uncertain significance. Last evaluated: 2026-07-24. Review status: criteria provided, single submitter. Criteria: Ambry Variant Classification Scheme 2023. Collection method: clinical testing. Allele origin: germline.
Comment: The c.1882+4A>G intronic variant results from an A to G substitution 4 nucleotides after coding exon 9 in the ATRIP gene. This nucleotide position is well conserved in available vertebrate species. In silico splice site analysis predicts that this alteration will not have any significant effect on splicing. The evidence for this gene-disease relationship is limited; therefore, the clinical significance of this variant is unclear.